The following is an entry in ClinVar:

ClinVar aggregate classification (germline): Uncertain significance. Review status: criteria provided, single submitter (1 of 4 stars). 2 submissions from 2 submitters: Uncertain significance (1). 1 of the submissions does not count toward it. Last evaluated 2025-03-03.

Conditions:
Familial dysautonomia. Also called: FD; HSAN III. Identifiers: Orphanet 1764, MedGen C0013364, MONDO:0009131, OMIM 223900. Disease mechanism: loss of function.

Allele frequency attached by ClinVar (database versions not stated): TOPMed below 0.00001; gnomAD 0.00001.

Submissions (2):

Labcorp Genetics (formerly Invitae), Labcorp
Classification: Uncertain significance. Last evaluated: 2025-03-03. Review status: criteria provided, single submitter. Criteria: Invitae Variant Classification Sherloc (09022015). Collection method: clinical testing. Allele origin: germline.
Comment: This sequence change replaces lysine, which is basic and polar, with asparagine, which is neutral and polar, at codon 1042 of the IKBKAP protein (p.Lys1042Asn). This variant is not present in population databases (gnomAD no frequency). This variant has not been reported in the literature in individuals affected with IKBKAP-related conditions. ClinVar contains an entry for this variant (Variation ID: 526188). Invitae Evidence Modeling of protein sequence and biophysical properties (such as structural, functional, and spatial information, amino acid conservation, physicochemical variation, residue mobility, and thermodynamic stability) indicates that this missense variant is not expected to disrupt IKBKAP protein function with a negative predictive value of 80%. In summary, the available evidence is currently insufficient to determine the role of this variant in disease. Therefore, it has been classified as a Variant of Uncertain Significance.

Natera, Inc.
Classification: Uncertain significance for Familial dysautonomia. Last evaluated: 2020-07-14. Review status: no assertion criteria provided. Collection method: clinical testing. Allele origin: germline. Not counted in ClinVar's aggregate classification.

NM_003640.5(ELP1):c.3126A>T (p.Lys1042Asn)

Gene: ELP1 (elongator acetyltransferase complex subunit 1; minus strand). Cytogenetic location: 9q31.3.
Variant type: single nucleotide variant.
Coding change: c.3126A>T on transcript NM_003640.5 (MANE Select); coding-DNA position 3126, A replaced by T.
Protein change: p.Lys1042Asn; replaces lysine 1042 with asparagine.
Molecular consequence: missense variant.
Genome position (GRCh38, 1-based): chr9:108,891,237, T>A on the plus strand (A>T on the coding strand, the complement: ELP1 is on the minus strand). VCF-style: chr9-108891237-T-A. GRCh37 (hg19) VCF-style: chr9-111653517-T-A.
Other names: c.2784A>T, p.Lys928Asn (NM_001318360.2); c.2079A>T, p.Lys693Asn (NM_001330749.2); c.3126A>T (LRG_251t1); short protein forms K1042N, K693N, K928N.
Identifiers: ClinVar variation 526188 (VCV000526188.11), dbSNP rs1554694121, ClinGen allele CA374416266.